The following is an entry in ClinVar:

ClinVar aggregate classification (germline): Benign/Likely benign. Review status: criteria provided, multiple submitters, no conflicts (2 of 4 stars). 4 submissions from 4 submitters: Benign (1); Likely benign (2). 1 of the submissions does not count toward it. Last evaluated 2026-02-02.

Conditions:
Creatine transporter deficiency (CCDS1). Also called: SLC6A8-Related Creatine Transporter Deficiency; CREATINE TRANSPORTER DEFECT; Mental retardation , X-linked with seizures, short stature and midface hypoplasia; Mental retardation , X-linked, with creatine transport deficiency; X-linked creatine transporter deficiency; X-linked creatine deficiency syndrome. Identifiers: Orphanet 52503, MedGen C1845862, MONDO:0010305, OMIM 300352.
Creatine deficiency syndrome 1.

Allele frequency attached by ClinVar (database versions not stated): gnomAD 0.00005; TOPMed 0.00006; gnomAD exomes 0.00007 and 0.00009; ExAC 0.00024.
gnomAD v4.1: 78 of 1,186,341 alleles (0.0066%); highest among the groups gnomAD compares: Admixed American, 0.014%; no homozygotes.

Submissions (4):

Labcorp Genetics (formerly Invitae), Labcorp
Classification: Benign for Creatine transporter deficiency. Last evaluated: 2026-02-02. Review status: criteria provided, single submitter. Criteria: Invitae Variant Classification Sherloc (09022015). Collection method: clinical testing. Allele origin: germline.

Blueprint Genetics
Classification: Likely benign. Last evaluated: 2023-11-16. Review status: criteria provided, single submitter. Criteria: ACMG Guidelines, 2015. Collection method: clinical testing. Allele origin: germline.

GeneDx
Classification: Likely benign. Last evaluated: 2018-05-31. Review status: criteria provided, single submitter. Criteria: GeneDx Variant Classification (06012015). Collection method: clinical testing. Allele origin: germline. Affected: yes.
Comment: This variant is considered likely benign or benign based on one or more of the following criteria: it is a conservative change, it occurs at a poorly conserved position in the protein, it is predicted to be benign by multiple in silico algorithms, and/or has population frequency not consistent with disease.

Natera, Inc.
Classification: Likely benign for Creatine deficiency syndrome 1. Last evaluated: 2021-03-19. Review status: no assertion criteria provided. Collection method: clinical testing. Allele origin: germline. Not counted in ClinVar's aggregate classification.

NM_005629.4(SLC6A8):c.1884C>T (p.Val628=)

Gene: SLC6A8 (solute carrier family 6 member 8; plus strand). Cytogenetic location: Xq28.
Variant type: single nucleotide variant.
Coding change: c.1884C>T on transcript NM_005629.4 (MANE Select); coding-DNA position 1884, C replaced by T.
Protein change: p.Val628=; no amino-acid change (valine 628 retained).
Molecular consequence: synonymous variant.
Genome position (GRCh38, 1-based): chrX:153,695,190, C>T. VCF-style: chrX-153695190-C-T. GRCh37 (hg19) VCF-style: chrX-152960645-C-T.
Other names: c.1854C>T, p.Val618= (NM_001142805.2); c.1539C>T, p.Val513= (NM_001142806.1).
Identifiers: ClinVar variation 669095 (VCV000669095.13), dbSNP rs782808736, ClinGen allele CA10549677.